The following is an entry in ClinVar:

NM_000138.5(FBN1):c.1961-4T>C

Gene: FBN1 (fibrillin 1; minus strand). Cytogenetic location: 15q21.1.
Variant type: single nucleotide variant.
Coding change: c.1961-4T>C on transcript NM_000138.5 (MANE Select); 4 bases into the intron before coding-DNA position 1961, T replaced by C.
Molecular consequence: intron variant.
Genome position (GRCh38, 1-based): chr15:48,503,943, A>G on the plus strand (T>C on the coding strand, the complement: FBN1 is on the minus strand). VCF-style: chr15-48503943-A-G. GRCh37 (hg19) VCF-style: chr15-48796140-A-G.
Other names: c.1961-4T>C (NM_001406716.1).
Identifiers: ClinVar variation 3071170 (VCV003071170.3), dbSNP rs2505591537, ClinGen allele CA2575717507.
Genomic context (GRCh38, chr15:48,503,943, plus strand): 5'-GTTTGATACACTGGCCTCTCTTGTATCCACCATAGCATGTGCTCCGCATGTGTGTGTCTA[A>G]ACAGGAAGAAGCATCTGTCATCACACTGTCACTTCAAACAGATGAGAACCCCCCAAGTCA-3'

ClinVar aggregate classification (germline): Likely benign. Review status: criteria provided, multiple submitters, no conflicts (2 of 4 stars). 2 submissions from 2 submitters: Likely benign (2). Last evaluated 2024-10-09.

Conditions:
Marfan syndrome (MFS). Also called: MARFAN SYNDROME, TYPE I; Marfan syndrome type 1; Marfan's syndrome; Marfan syndrome, classic; FBN1-Related Marfan Syndrome. Identifiers: Orphanet 284963, Orphanet 558, MedGen C0024796, MONDO:0007947, OMIM 154700.
Familial thoracic aortic aneurysm and aortic dissection (TAAD). Also called: Thoracic aortic aneurysms and dissections. Identifiers: Orphanet 91387, MedGen C4707243, MONDO:0019625.

Submissions (2):

Labcorp Genetics (formerly Invitae), Labcorp
Classification: Likely benign for Marfan syndrome; Familial thoracic aortic aneurysm and aortic dissection. Last evaluated: 2024-10-09. Review status: criteria provided, single submitter. Criteria: Invitae Variant Classification Sherloc (09022015). Collection method: clinical testing. Allele origin: germline.

All of Us Research Program, National Institutes of Health
Classification: Likely benign for Marfan syndrome. Last evaluated: 2023-05-16. Review status: criteria provided, single submitter. Criteria: ACMG Guidelines, 2015. Collection method: clinical testing. Allele origin: germline. Inheritance: Autosomal dominant inheritance. Observed: 1 variant allele, 1 heterozygote.
Comment: This study involves interpretation of variants in research participants for the purpose of population health screening. Participant phenotype was not available at the time of variant classification. Additional details can be found in publication PMID: 35346344, PMCID: PMC8962531